The following is an entry in ClinVar:

NM_078480.3(PUF60):c.1673_1674del (p.Ser558fs)

Gene: PUF60 (poly(U) binding splicing factor 60; minus strand). Cytogenetic location: 8q24.3.
Variant type: Microsatellite.
Coding change: c.1673_1674del on transcript NM_078480.3 (MANE Select); coding-DNA positions 1673 to 1674, 2 bases deleted (CT; older notation c.1673_1674delCT).
Protein change: p.Ser558fs; shifts the reading frame from serine 558.
Molecular consequence: frameshift variant.
Genome position (GRCh38, 1-based): chr8:143,816,526-143,816,527, AG deleted on the plus strand (CT on the coding strand, the reverse complement: PUF60 is on the minus strand); deleting any 2 consecutive bases within chr8:143,816,526-143,816,531 gives the same sequence; the c. name uses the placement nearest the transcript's 3' end. VCF-style (leftmost placement, unchanged base first): chr8-143816525-CAG-C. GRCh37 (hg19) VCF-style: chr8-144898695-CAG-C.
Other names: c.1673_1674del (NM_078480.2); c.1544_1545del, p.Ser515fs (NM_001136033.3); c.1619_1620del, p.Ser540fs (NM_001271096.2); c.1535_1536del, p.Ser512fs (NM_001271097.2); c.1670_1671del, p.Ser557fs (NM_001271098.2); c.1586_1587del, p.Ser529fs (NM_001271099.2); c.1493_1494del, p.Ser498fs (NM_001271100.2); c.1784_1785del, p.Ser595fs (NM_001362895.2, NM_001362896.2); and 3 more; short protein forms S498fs, S512fs, S515fs, S529fs, S540fs, S541fs, S557fs, S558fs.
Identifiers: ClinVar variation 984580 (VCV000984580.5), dbSNP rs1816304706, ClinGen allele CA1825987701.
Genomic context (GRCh38, chr8:143,816,525, plus strand): 5'-TATAAAACCCAGAGGAAACAAGGAACAAGTGCAAGTCCGGGGAGAGGGACCACTGTCACG[CAG>C]AGAGGTCACTGTTATCAAAACGCTCCTGGTCGTACACTTCAGCCACCACCTTGCGGCCAG-3'

ClinVar aggregate classification (germline): Pathogenic. Review status: criteria provided, single submitter (1 of 4 stars). 3 submissions from 3 submitters: Pathogenic (1). 2 of the submissions do not count toward it. Last evaluated 2024-08-07.

Conditions:
Neurodevelopmental abnormality. Identifiers: MedGen C4022737, HP:0012759.
PUF60-related disorder. Also called: PUF60-related condition.

Submissions (3):

GeneDx
Classification: Pathogenic. Last evaluated: 2024-08-07. Review status: criteria provided, single submitter. Criteria: GeneDx Variant Classification Process June 2021. Collection method: clinical testing. Allele origin: germline. Affected: yes.
Comment: Frameshift variant predicted to result in abnormal protein length as the last 2 amino acids are replaced with 20 different amino acids; Not observed at significant frequency in large population cohorts (gnomAD); This variant is associated with the following publications: (PMID: 32851780)

PreventionGenetics, part of Exact Sciences
Classification: Uncertain significance for PUF60-related condition. Last evaluated: 2024-02-16. Review status: no assertion criteria provided. Collection method: clinical testing. Allele origin: germline. Not counted in ClinVar's aggregate classification.
Comment: The PUF60 c.1673_1674delCT variant is predicted to result in a frameshift and premature protein termination (p.Ser558Cysfs*21). This variant is located within the second to last codon of the transcript and therefore causes a protein extension of 21 amino acids and is not expected to undergo nonsense mediated decay. This variant has been reported as de novo in an individual with mild symptoms of Verheij syndrome (Yamada et al 2020. PubMed ID: 32851780). This same report confirmed that the transcript escaped nonsense mediated decay. This variant has not been reported in a large population database, indicating this variant is rare. Although we suspect that this variant may be pathogenic, at this time, the clinical significance of this variant is uncertain due to the absence of conclusive functional and genetic evidence.

Department of Genetics, Rouen University Hospital, Normandy Center for Genomic and Personalized Medicine
Classification: Likely pathogenic for Neurodevelopmental abnormality. Last evaluated: 2020-04-03. Review status: no assertion criteria provided. Collection method: clinical testing. Allele origin: de novo. Affected: yes. Not counted in ClinVar's aggregate classification.